The following is an entry in ClinVar:

NM_000059.4(BRCA2):c.6458C>T (p.Pro2153Leu)

Gene: BRCA2 (BRCA2 DNA repair associated; plus strand). Cytogenetic location: 13q13.1.
Variant type: single nucleotide variant.
Coding change: c.6458C>T on transcript NM_000059.4 (MANE Select); coding-DNA position 6458, C replaced by T.
Protein change: p.Pro2153Leu; replaces proline 2153 with leucine.
Molecular consequence: missense variant.
Genome position (GRCh38, 1-based): chr13:32,340,813, C>T. VCF-style: chr13-32340813-C-T. GRCh37 (hg19) VCF-style: chr13-32914950-C-T.
Other names: short protein forms P2153L.
Identifiers: ClinVar variation 52109 (VCV000052109.59), dbSNP rs276174873, ClinGen allele CA024073.

ClinVar aggregate classification (germline): Conflicting classifications of pathogenicity. Review status: criteria provided, conflicting classifications (1 of 4 stars). 14 submissions from 14 submitters: Uncertain significance (5); Likely benign (4). 5 of the submissions do not count toward it. Last evaluated 2026-01-19.

Conditions:
BRCA2-related disorder. Also called: BRCA2-related condition; BRCA2-related disorders. Identifiers: MedGen CN239275.
Hereditary cancer-predisposing syndrome. Also called: Hereditary Cancer Syndrome; Tumor predisposition; Neoplastic Syndromes, Hereditary; Hereditary neoplastic syndrome. Identifiers: Orphanet 140162, MedGen C0027672, MeSH D009386, MONDO:0015356.
Hereditary breast ovarian cancer syndrome. Also called: Breast and ovarian cancer; BRCA1- and BRCA2-Associated Hereditary Breast and Ovarian Cancer; Hereditary breast and ovarian cancer; Hereditary breast and ovarian cancer syndrome (HBOC); Hereditary breast and ovarian cancer syndrome; Hereditary breast and/or ovarian cancer syndrome. Identifiers: Orphanet 145, MedGen C0677776, MeSH D061325, MONDO:0003582. Disease mechanism: loss of function.
Breast-ovarian cancer, familial, susceptibility to, 2 (BROVCA2). Also called: BRCA2 Hereditary Breast and Ovarian Cancer. Identifiers: Orphanet 145, MedGen C2675520, MONDO:0012933, OMIM 612555. Disease mechanism: loss of function.
Familial cancer of breast. Also called: BREAST CANCER, FAMILIAL; hereditary breast carcinoma; Hereditary breast cancer. Identifiers: Orphanet 227535, MedGen C0346153, MONDO:0016419, OMIM 114480. Disease mechanism: loss of function.

Allele frequency attached by ClinVar (database versions not stated): gnomAD 0.00001; gnomAD exomes 0.00001; TOPMed 0.00001.
gnomAD v4.1: 4 of 1,588,720 alleles (0.00025%); highest among the groups gnomAD compares: Non-Finnish European, 0.00034%; no homozygotes.

Submissions (14):

Labcorp Genetics (formerly Invitae), Labcorp
Classification: Uncertain significance for Hereditary breast ovarian cancer syndrome. Last evaluated: 2026-01-19. Review status: criteria provided, single submitter. Criteria: Invitae Variant Classification Sherloc (09022015). Collection method: clinical testing. Allele origin: germline.
Comment: This sequence change replaces proline, which is neutral and non-polar, with leucine, which is neutral and non-polar, at codon 2153 of the BRCA2 protein (p.Pro2153Leu). This variant is present in population databases (rs276174873, gnomAD 0.002%). This missense change has been observed in individual(s) with tubo-ovarian cancer (PMID: 35263119). ClinVar contains an entry for this variant (Variation ID: 52109). Invitae Evidence Modeling of protein sequence and biophysical properties (such as structural, functional, and spatial information, amino acid conservation, physicochemical variation, residue mobility, and thermodynamic stability) indicates that this missense variant is not expected to disrupt BRCA2 protein function with a negative predictive value of 95%. In summary, the available evidence is currently insufficient to determine the role of this variant in disease. Therefore, it has been classified as a Variant of Uncertain Significance.

Center for Genomic Medicine, Rigshospitalet, Copenhagen University Hospital
Classification: Likely benign. Last evaluated: 2025-03-04. Review status: criteria provided, single submitter. Criteria: ACMG Guidelines, 2015. Collection method: clinical testing. Allele origin: germline.

Women's Health and Genetics/Laboratory Corporation of America, LabCorp
Classification: Uncertain significance. Last evaluated: 2024-05-16. Review status: criteria provided, single submitter. Criteria: LabCorp Variant Classification Summary - May 2015. Collection method: clinical testing. Allele origin: germline.
Comment: Variant summary: BRCA2 c.6458C>T (p.Pro2153Leu) results in a non-conservative amino acid change in the encoded protein sequence. Four of five in-silico tools predict a benign effect of the variant on protein function. The variant allele was found at a frequency of 8.7e-06 in 229164 control chromosomes. The available data on variant occurrences in the general population are insufficient to allow any conclusion about variant significance. c.6458C>T has been reported in the literature in individuals affected with breast and ovarian cancer, as well as an unaffected control (Dorling_2021, Delahunty_2022, Urbina-Jara_2021). These report(s) do not provide unequivocal conclusions about association of the variant with Hereditary Breast And Ovarian Cancer Syndrome. To our knowledge, no experimental evidence demonstrating an impact on protein function has been reported. The following publications have been ascertained in the context of this evaluation (PMID: 33471991, 34884835, 35263119). ClinVar contains an entry for this variant (Variation ID: 52109). Based on the evidence outlined above, the variant was classified as uncertain significance.

MGZ Medical Genetics Center
Classification: Likely benign for Familial cancer of breast. Last evaluated: 2024-02-09. Review status: criteria provided, single submitter. Criteria: CSpec BRCA1/2ACMG Rules Specifications V1.1.0. Collection method: clinical testing. Allele origin: germline. Affected: yes.
Comment: ACMG codes applied following ENIGMA VCEP rules: BP1_STR

Ambry Genetics
Classification: Uncertain significance for Hereditary cancer-predisposing syndrome. Last evaluated: 2023-10-27. Review status: criteria provided, single submitter. Criteria: Ambry Variant Classification Scheme 2023. Collection method: clinical testing. Allele origin: germline.
Comment: The p.P2153L variant (also known as c.6458C>T), located in coding exon 10 of the BRCA2 gene, results from a C to T substitution at nucleotide position 6458. The proline at codon 2153 is replaced by leucine, an amino acid with similar properties. This alteration was detected in an ovarian cancer patient who had a family history of breast cancer (Jernigan AM et al. Int J Gynecol Cancer, 2015 Sep;25:1232-8). This amino acid position is not well conserved in available vertebrate species. In addition, the in silico prediction for this alteration is inconclusive. Since supporting evidence is limited at this time, the clinical significance of this alteration remains unclear.

CeGaT Center for Human Genetics Tuebingen
Classification: Uncertain significance. Last evaluated: 2023-08-01. Review status: criteria provided, single submitter. Criteria: CeGaT Center For Human Genetics Tuebingen Variant Classification Criteria Version 2. Collection method: clinical testing. Allele origin: germline. Affected: yes. Observed: 1 variant allele.
Comment: BRCA2: PM2, BP1, BP4

University of Washington Department of Laboratory Medicine, University of Washington
Classification: Likely benign for Hereditary cancer-predisposing syndrome. Last evaluated: 2023-03-23. Review status: criteria provided, single submitter. Criteria: Dines et al. (Genet Med. 2020). Collection method: curation. Allele origin: germline.
Comment: Missense variant in a coldspot region where missense variants are very unlikely to be pathogenic (PMID:31911673).

BRCA2 exon 11 coldspot. Reclassification based on statistical prior probability.

GeneDx
Classification: Uncertain significance. Last evaluated: 2016-02-19. Review status: criteria provided, single submitter. Criteria: GeneDx Variant Classification (06012015). Collection method: clinical testing. Allele origin: germline. Affected: yes.
Comment: This variant is denoted BRCA2 c.6458C>T at the cDNA level, p.Pro2153Leu (P2153L) at the protein level, and results in the change of a Proline to a Leucine (CCA>CTA). Using alternate nomenclature, this variant would be defined as BRCA2 6686C>T. This variant has not, to our knowledge, been published in the literature as pathogenic germline variant or benign polymorphism. However, it has been reported as a somatic variant in cutaneous squamous cell carcinoma (Li 2015). BRCA2 Pro2153Leu was not observed in approximately 6,500 individuals of European and African American ancestry in the NHLBI Exome Sequencing Project, suggesting it is not a common benign variant in these populations. Since Proline and Leucine differ in some properties, this is considered a semi-conservative amino acid substitution. BRCA2 Pro2153Leu occurs at a position that is not conserved and is not located in a known functional domain (UniProt). In silico analyses predict that this variant is unlikely to alter protein structure or function. Based on currently available information, it is unclear whether BRCA2 Pro2153Leu is pathogenic or benign. We consider it to be a variant of uncertain significance.

Color Diagnostics, LLC DBA Color Health
Classification: Likely benign for Hereditary cancer-predisposing syndrome. Last evaluated: 2015-11-30. Review status: criteria provided, single submitter. Criteria: ACMG Guidelines, 2015. Collection method: clinical testing. Allele origin: germline.

PreventionGenetics, part of Exact Sciences
Classification: Likely benign for BRCA2-related condition. Last evaluated: 2024-05-13. Review status: no assertion criteria provided. Collection method: clinical testing. Allele origin: germline. Not counted in ClinVar's aggregate classification.
Comment: This variant is classified as likely benign based on ACMG/AMP sequence variant interpretation guidelines (Richards et al. 2015 PMID: 25741868, with internal and published modifications).

Breast Cancer Information Core (BIC) (BRCA2)
No classification provided. Condition: Breast-ovarian cancer, familial 2. Review status: no classification provided. Collection method: clinical testing. Allele origin: germline. Affected: yes. Observed: 4 variant alleles. Not counted in ClinVar's aggregate classification.

Department of Pathology and Laboratory Medicine, Sinai Health System
Classification: Uncertain significance. Review status: no assertion criteria provided. Collection method: clinical testing. Allele origin: unknown. Affected: yes. Observed: 1 variant allele. Study: The Canadian Open Genetics Repository (COGR). Not counted in ClinVar's aggregate classification.

Diagnostic Laboratory, Department of Genetics, University Medical Center Groningen
Classification: Likely benign. Review status: no assertion criteria provided. Collection method: clinical testing. Allele origin: germline. Affected: yes. Study: VKGL Data-share Consensus. Not counted in ClinVar's aggregate classification.

Joint Genome Diagnostic Labs from Nijmegen and Maastricht, Radboudumc and MUMC+
Classification: Likely benign. Review status: no assertion criteria provided. Collection method: clinical testing. Allele origin: germline. Affected: yes. Study: VKGL Data-share Consensus. Not counted in ClinVar's aggregate classification.

Literature cited by the submitters: PubMed 35263119 (cited by Labcorp Genetics (formerly Invitae), Labcorp and Women's Health and Genetics/Laboratory Corporation of America, LabCorp); PubMed 33471991 (cited by Women's Health and Genetics/Laboratory Corporation of America, LabCorp); PubMed 34884835 (cited by Women's Health and Genetics/Laboratory Corporation of America, LabCorp); PubMed 26067864 (cited by Ambry Genetics).